The following is an entry in ClinVar:

NM_000535.7(PMS2):c.2254G>A (p.Asp752Asn)

Gene: PMS2 (PMS1 homolog 2, mismatch repair system component; minus strand). Cytogenetic location: 7p22.1.
Variant type: single nucleotide variant.
Coding change: c.2254G>A on transcript NM_000535.7 (MANE Select); coding-DNA position 2254, G replaced by A.
Protein change: p.Asp752Asn; replaces aspartic acid 752 with asparagine.
Molecular consequence: missense variant. On other transcripts: non-coding transcript variant (1).
Genome position (GRCh38, 1-based): chr7:5,978,617, C>T on the plus strand (G>A on the coding strand, the complement: PMS2 is on the minus strand). VCF-style: chr7-5978617-C-T. GRCh37 (hg19) VCF-style: chr7-6018248-C-T.
Other names: c.2146G>A, p.Asp716Asn (NM_001406869.1); c.2098G>A, p.Asp700Asn (NM_001406870.1, NM_001322006.2); c.2056G>A, p.Asp686Asn (NM_001406873.1); c.2086G>A, p.Asp696Asn (NM_001406872.1, NM_001406874.1); c.1849G>A, p.Asp617Asn (NM_001018040.1, NM_001322003.2, NM_001322004.2 and 15 more transcripts); c.1936G>A, p.Asp646Asn (NM_001322007.2, NM_001322008.2, NM_001406876.1 and 1 more transcripts); c.1693G>A, p.Asp565Asn (NM_001322010.2, NM_001406906.1, NM_001406907.1); c.1321G>A, p.Asp441Asn (NM_001322011.2, NM_001322012.2); and 14 more; short protein forms D590N, D640N, D351N, D617N, D696N, D700N, D752N, D495N.
Identifiers: ClinVar variation 1788493 (VCV001788493.3), dbSNP rs2128682308, ClinGen allele CA366736533.
Genomic context (GRCh38, chr7:5,978,617, plus strand): 5'-CACCACACCCAGCCGCTATAGTTCTAATTAATAACTTACCATTTTCATCGATAACAAAAT[C>T]AAAGCCATTCTTTCTAAATATTTCCAGATTTTCTATCAGAACAGCTTCATTAACAGCAGT-3'
Protein context (NP_000526.2, residues 742-762): NLEIFRKNGF[Asp752Asn]FVIDENAPVT

ClinVar aggregate classification (germline): Uncertain significance (1 of 4 stars; one submission).

Conditions:
Hereditary cancer-predisposing syndrome. Also called: Hereditary Cancer Syndrome; Hereditary neoplastic syndrome; Tumor predisposition; Neoplastic Syndromes, Hereditary. Identifiers: Orphanet 140162, MedGen C0027672, MeSH D009386, MONDO:0015356.

Submission:

Ambry Genetics
Classification: Uncertain significance for Hereditary cancer-predisposing syndrome. Last evaluated: 2022-11-03. Review status: criteria provided, single submitter. Criteria: Ambry Variant Classification Scheme 2023. Collection method: clinical testing. Allele origin: germline.
Comment: The p.D752N variant (also known as c.2254G>A), located in coding exon 13 of the PMS2 gene, results from a G to A substitution at nucleotide position 2254. The aspartic acid at codon 752 is replaced by asparagine, an amino acid with highly similar properties. This amino acid position is well conserved in available vertebrate species. In addition, this alteration is predicted to be tolerated by in silico analysis. Since supporting evidence is limited at this time, the clinical significance of this alteration remains unclear.